The following is an entry in ClinVar:

NM_002439.5(MSH3):c.503dup (p.Asp168fs)

Gene: MSH3 (mutS homolog 3; plus strand). Cytogenetic location: 5q14.1.
Variant type: Duplication.
Coding change: c.503dup on transcript NM_002439.5 (MANE Select); coding-DNA position 503, one base duplicated (A; older notation c.503dupA).
Protein change: p.Asp168fs; shifts the reading frame from aspartic acid 168.
Molecular consequence: frameshift variant.
Genome position (GRCh38, 1-based): chr5:80,665,287, A duplicated. VCF-style (leftmost placement, unchanged base first): chr5-80665286-G-GA. GRCh37 (hg19) VCF-style: chr5-79961105-G-GA.
Other names: short protein forms D168fs.
Identifiers: ClinVar variation 1358755 (VCV001358755.6), dbSNP rs2112808889, ClinGen allele CA2573139845.

ClinVar aggregate classification (germline): Pathogenic (1 of 4 stars; one submission).

Submission:

Labcorp Genetics (formerly Invitae), Labcorp
Classification: Pathogenic. Last evaluated: 2021-06-24. Review status: criteria provided, single submitter. Criteria: Invitae Variant Classification Sherloc (09022015). Collection method: clinical testing. Allele origin: germline.
Comment: This sequence change creates a premature translational stop signal (p.Asp168Glufs*3) in the MSH3 gene. It is expected to result in an absent or disrupted protein product. Loss-of-function variants in MSH3 are known to be pathogenic (PMID: 27476653). This variant is not present in population databases (ExAC no frequency). This variant has not been reported in the literature in individuals with MSH3-related conditions. For these reasons, this variant has been classified as Pathogenic.

Literature cited by the submitters: PubMed 27476653.